The following is an entry in ClinVar:

ClinVar aggregate classification (germline): not provided (0 of 4 stars; one submission).

Conditions:
Preeclampsia. Identifiers: Orphanet 275555, MedGen C0032914, MONDO:0005081, HP:0100602.

Submission:

Institute of Molecular and Cell Biology, University of Tartu
No classification provided. Condition: Preeclampsia. Review status: no classification provided. Collection method: case-control. Allele origin: unknown. Affected: yes. Study: Kasak2014.
Comment: The study aimed to determine the contribution of copy number variants in the genetic etiology of normal and complicated pregnancies. The samples represented (i) maternal blood DNA drawn from healthy pregnant women during 1st or 2nd trimester and (ii) maternal and paternal blood DNA drawn at term pregnancy cases representing normal and complicated gestations (severe preeclampsia, PE; gestational diabetes, GD; small-for-gestational age newborn, SGA; large-for-gestational age newborn, LGA). We performed CNV calling based on genome-wide genotyping dataset (Illumina HumanOmniExpress-24-v1 BeadChip) by applying three algorithms, QuantiSNP, GADA (Genome Alteration Detection Algorithm) and CNstream in parallel. The acquired CNV calls were merged with HD-CNV (Hotspot Detector for Copy Number Variants) program and only the CNVs predicted by at least two programs, were considered in subsequent analysis.

Literature cited by the submitters: PubMed 25666259.

Single allele

Variant type: Deletion.
Identifiers: ClinVar variation 156928 (VCV000156928.2).